The following is an entry in ClinVar:

ClinVar aggregate classification (germline): Uncertain significance. Review status: criteria provided, multiple submitters, no conflicts (2 of 4 stars). 2 submissions from 2 submitters: Uncertain significance (2). Last evaluated 2025-03-17.

Conditions:
Inborn genetic diseases. Identifiers: MedGen C0950123, MeSH D030342.

Submissions (2):

Labcorp Genetics (formerly Invitae), Labcorp
Classification: Uncertain significance. Last evaluated: 2025-03-17. Review status: criteria provided, single submitter. Criteria: Invitae Variant Classification Sherloc (09022015). Collection method: clinical testing. Allele origin: germline.
Comment: This sequence change replaces alanine, which is neutral and non-polar, with proline, which is neutral and non-polar, at codon 2 of the NBAS protein (p.Ala2Pro). This variant is not present in population databases (gnomAD no frequency). This variant has not been reported in the literature in individuals affected with NBAS-related conditions. ClinVar contains an entry for this variant (Variation ID: 1447581). Invitae Evidence Modeling of protein sequence and biophysical properties (such as structural, functional, and spatial information, amino acid conservation, physicochemical variation, residue mobility, and thermodynamic stability) indicates that this missense variant is not expected to disrupt NBAS protein function with a negative predictive value of 95%. In summary, the available evidence is currently insufficient to determine the role of this variant in disease. Therefore, it has been classified as a Variant of Uncertain Significance.

Ambry Genetics
Classification: Uncertain significance for Inborn genetic diseases. Last evaluated: 2021-06-21. Review status: criteria provided, single submitter. Criteria: Ambry Variant Classification Scheme 2023. Collection method: clinical testing. Allele origin: germline.

NM_015909.4(NBAS):c.4G>C (p.Ala2Pro)

Genes: NBAS (NBAS subunit of NRZ tethering complex; minus strand), LOC129933155 (ATAC-STARR-seq lymphoblastoid active region 15346; plus strand). Cytogenetic location: 2p24.3.
Variant type: single nucleotide variant.
Coding change: c.4G>C on transcript NM_015909.4 (MANE Select); coding-DNA position 4, G replaced by C.
Protein change: p.Ala2Pro; replaces alanine 2 with proline.
Molecular consequence: missense variant. On other transcripts: non-coding transcript variant (1).
Genome position (GRCh38, 1-based): chr2:15,561,301, C>G on the plus strand (G>C on the coding strand, the complement: NBAS is on the minus strand). VCF-style: chr2-15561301-C-G. GRCh37 (hg19) VCF-style: chr2-15701425-C-G.
Other names: c.4G>C (NM_015909.2); short protein forms A2P.
Identifiers: ClinVar variation 1447581 (VCV001447581.7), dbSNP rs2148724478, ClinGen allele CA345895289.